The following is an entry in ClinVar:

ClinVar aggregate classification (germline): Pathogenic. Review status: reviewed by expert panel (3 of 4 stars). 16 submissions from 16 submitters: Pathogenic (1). 15 of the submissions do not count toward it. Last evaluated 2019-06-18.

Conditions:
BRCA1-related disorder. Also called: BRCA1-related condition.
Hereditary cancer-predisposing syndrome. Also called: Tumor predisposition; Neoplastic Syndromes, Hereditary; Hereditary Cancer Syndrome; Hereditary neoplastic syndrome. Identifiers: Orphanet 140162, MedGen C0027672, MeSH D009386, MONDO:0015356.
Hereditary breast ovarian cancer syndrome. Also called: Hereditary breast and ovarian cancer syndrome (HBOC); Hereditary breast and ovarian cancer syndrome; Hereditary breast and ovarian cancer; Hereditary breast and/or ovarian cancer syndrome; Breast and ovarian cancer; BRCA1- and BRCA2-Associated Hereditary Breast and Ovarian Cancer. Identifiers: Orphanet 145, MedGen C0677776, MeSH D061325, MONDO:0003582. Disease mechanism: loss of function.
Breast-ovarian cancer, familial, susceptibility to, 1 (BROVCA1). Also called: OVARIAN CANCER, SUSCEPTIBILITY TO; BRCA1 Hereditary Breast and Ovarian Cancer. Identifiers: Orphanet 145, MedGen C2676676, MONDO:0011450, OMIM 604370. Disease mechanism: loss of function.
Malignant tumor of breast. Also called: Malignant breast neoplasm; Cancer breast. Identifiers: MedGen C0006142, MONDO:0007254. Disease mechanism: loss of function.

Submissions (17):

Evidence-based Network for the Interpretation of Germline Mutant Alleles (ENIGMA)
Classification: Pathogenic for Breast-ovarian cancer, familial, susceptibility to, 1. Last evaluated: 2019-06-18. Review status: reviewed by expert panel. Criteria: ENIGMA BRCA1/2 Classification Criteria (2017-06-29). Collection method: curation. Allele origin: germline.
Comment: IARC class based on posterior probability from multifactorial likelihood analysis, thresholds for class as per Plon et al. 2008 (PMID: 18951446). Class 5 based on posterior probability = 0.999563

Dasa
Classification: Pathogenic for Breast-ovarian cancer, familial, susceptibility to, 1. Last evaluated: 2026-04-27. Review status: criteria provided, single submitter. Criteria: DASA Assertion Criteria. Collection method: clinical testing. Allele origin: germline. Not counted in ClinVar's aggregate classification.
Comment: NM_007294.4(BRCA1):c.5074+2T>C affects a canonical splice site and is predicted to disrupt normal RNA splicing, leading to loss of normal protein function. Loss-of-function is an established mechanism of disease for this gene. Functional evidence supports a deleterious effect on the gene or gene product (PMID: 30209399). This variant has been reported in individuals with Breast-ovarian cancer, familial, susceptibility to, 1 (PMID: 30209399). Based on the available data, this variant is classified as pathogenic.

Labcorp Genetics (formerly Invitae), Labcorp
Classification: Pathogenic for Hereditary breast ovarian cancer syndrome. Last evaluated: 2025-11-17. Review status: criteria provided, single submitter. Criteria: Invitae Variant Classification Sherloc (09022015). Collection method: clinical testing. Allele origin: germline. Not counted in ClinVar's aggregate classification.
Comment: This sequence change affects a donor splice site in intron 16 of the BRCA1 gene. It is expected to disrupt RNA splicing. Variants that disrupt the donor or acceptor splice site typically lead to a loss of protein function (PMID: 16199547), and loss-of-function variants in BRCA1 are known to be pathogenic (PMID: 20104584). This variant is not present in population databases (gnomAD no frequency). Disruption of this splice site has been observed in individual(s) with breast and/or ovarian cancer (PMID: 25556971, 27914478, 28717669, 29339979, 29446198). This variant is also known as IVS17+2T>C. ClinVar contains an entry for this variant (Variation ID: 37631). Based on a multifactorial likelihood algorithm using genetic, in silico, and/or statistical data, this variant has been determined to have a high probability of being pathogenic (PMID: 31131967). Studies have shown that disruption of this splice site alters mRNA splicing and is expected to lead to the loss of protein expression (PMID: 30209399). For these reasons, this variant has been classified as Pathogenic.

Ambry Genetics
Classification: Pathogenic for Hereditary cancer-predisposing syndrome. Last evaluated: 2025-01-21. Review status: criteria provided, single submitter. Criteria: Ambry Variant Classification Scheme 2023. Collection method: clinical testing. Allele origin: germline. Not counted in ClinVar's aggregate classification.
Comment: The c.5074+2T>C intronic pathogenic mutation results from a T to C substitution two nucleotides after coding exon 15 in the BRCA1 gene. This alteration has been previously reported in numerous patients undergoing genetic testing based on personal and/or family history concerning for hereditary breast and ovarian cancer (HBOC) syndrome (Lourenco J et al. Genet Mol Biol. Sao Paulo. 2004;27(4):500-504; Trujillano D et al. J Mol Diagn. 2015 Mar;17:162-70; Maistro S et al. BMC Cancer, 2016 Dec;16:934; Chen L et al. Breast Cancer Res Treat, 2020 Apr;180:759-766). One functional study found that this nucleotide substitution is non-functional in a high throughput genome editing haploid cell survival assay (Findlay GM et al. Nature, 2018 Oct;562:217-222). This alteration was also classified as pathogenic in a multifactorial model of variant interpretation that incorporates co-segregation, family history, co-occurrence and tumor pathology and case-control data (Parsons MT et al. Hum Mutat, 2019 Sep;40:1557-1578). This nucleotide position is highly conserved in available vertebrate species. In silico splice site analysis predicts that this alteration will weaken the native splice donor site. This variant is considered to be rare based on population cohorts in the Genome Aggregation Database (gnomAD). In addition to the clinical data presented in the literature, alterations that disrupt the canonical splice site are expected to cause aberrant splicing, resulting in an abnormal protein or a transcript that is subject to nonsense-mediated mRNA decay. As such, this alteration is classified as a disease-causing mutation.

Blueprint Genetics
Classification: Pathogenic for BRCA1-related disorders. Last evaluated: 2023-11-15. Review status: criteria provided, single submitter. Criteria: ACMG Guidelines, 2015. Collection method: clinical testing. Allele origin: germline. Affected: yes. Observed: 1 variant allele. Not counted in ClinVar's aggregate classification.

Baylor Genetics
Classification: Pathogenic for Breast-ovarian cancer, familial, susceptibility to, 1. Last evaluated: 2023-03-31. Review status: criteria provided, single submitter. Criteria: ACMG Guidelines, 2015. Collection method: clinical testing. Allele origin: unknown. Not counted in ClinVar's aggregate classification.

Laboratorio de Genetica e Diagnostico Molecular, Hospital Israelita Albert Einstein
Classification: Pathogenic for Breast-ovarian cancer, familial, susceptibility to, 1. Last evaluated: 2021-06-07. Review status: criteria provided, single submitter. Criteria: ACMG Guidelines, 2015. Collection method: clinical testing. Allele origin: germline. Affected: yes. Not counted in ClinVar's aggregate classification.
Comment: ACMG classification criteria: PVS1 very strong, PS4 strong, PM2 moderate

Color Diagnostics, LLC DBA Color Health
Classification: Pathogenic for Hereditary cancer-predisposing syndrome. Last evaluated: 2020-05-07. Review status: criteria provided, single submitter. Criteria: ACMG Guidelines, 2015. Collection method: clinical testing. Allele origin: germline. Not counted in ClinVar's aggregate classification.
Comment: This variant causes a T to C nucleotide substitution at the +2 position of intron 16 of the BRCA1 gene. Splice site prediction tools suggest that this variant may have a significant impact on RNA splicing. A study using peripheral blood-derived RNA from a carrier has shown that this variant impacts normal RNA splicing (PMID: 30159786). A viability assay using human haploid cell line has shown that this variant disrupts normal BRCA1 function (PMID: 30209399). This variant has been reported in individuals affected with breast and/or ovarian cancer (PMID: 25556971, 27914478, 29339979, 30159786, Color internal data). In addition, a multifactorial likelihood model using health history and tumor pathology data have suggested this variant have a high probability of being pathogenic (PMID: 31131967). This variant has not been identified in the general population by the Genome Aggregation Database (gnomAD). Loss of BRCA1 function is a known mechanism of disease. Based on the available evidence, this variant is classified as Pathogenic.

Mendelics
Classification: Pathogenic for Breast-ovarian cancer, familial, susceptibility to, 1. Last evaluated: 2019-05-28. Review status: criteria provided, single submitter. Criteria: Mendelics Assertion Criteria 2017. Collection method: clinical testing. Allele origin: unknown. Not counted in ClinVar's aggregate classification.

Consortium of Investigators of Modifiers of BRCA1/2 (CIMBA), c/o University of Cambridge
Classification: Pathogenic for Breast-ovarian cancer, familial, susceptibility to, 1. Last evaluated: 2015-10-02. Review status: criteria provided, single submitter. Criteria: CIMBA Mutation Classification guidelines May 2016. Collection method: clinical testing. Allele origin: germline. Not counted in ClinVar's aggregate classification.

Department of Medical Genetics, Oslo University Hospital
Classification: Likely pathogenic for Breast-ovarian cancer, familial, susceptibility to, 1. Last evaluated: 2015-07-01. Review status: criteria provided, single submitter. Criteria: ACMG Guidelines, 2015. Collection method: clinical testing. Allele origin: germline. Affected: yes. Observed: 1 variant allele. Not counted in ClinVar's aggregate classification.

Genesis Genomics
Classification: Pathogenic for Breast-ovarian cancer, familial, susceptibility to, 1. Review status: criteria provided, single submitter. Criteria: ACMG Guidelines, 2015. Collection method: clinical testing. Allele origin: germline. Affected: yes and no. Observed: 13 variant alleles. Clinical features observed: Breast cancer, Epithelial ovarian cancer. Not counted in ClinVar's aggregate classification.

Research Molecular Genetics Laboratory, Women's College Hospital, University of Toronto
Classification: Pathogenic for Hereditary breast ovarian cancer syndrome. Last evaluated: 2014-01-31. Review status: no assertion criteria provided. Collection method: research. Allele origin: germline. Affected: yes. Study: The Canadian Open Genetics Repository (COGR). Not counted in ClinVar's aggregate classification.

Sharing Clinical Reports Project (SCRP)
Classification: Pathogenic for Breast-ovarian cancer, familial 1. Last evaluated: 2009-03-06. Review status: no assertion criteria provided. Collection method: clinical testing. Allele origin: germline. Not counted in ClinVar's aggregate classification.

Breast Cancer Information Core (BIC) (BRCA1)
Classification: Pathogenic for Breast-ovarian cancer, familial 1. Last evaluated: 2002-05-29. Review status: no assertion criteria provided. Collection method: clinical testing. Allele origin: germline. Affected: yes. Observed: 1 variant allele. Not counted in ClinVar's aggregate classification.

Brotman Baty Institute, University of Washington
No classification provided (evidence only). Condition: Breast-ovarian cancer, familial 1. Review status: no classification provided. Collection method: in vitro. Allele origin: not applicable. Functional consequence: functionally_abnormal. Not counted in ClinVar's aggregate classification.
ClinVar note: "not provided" was previously submitted as the classification for the variant. However, the classification appeared to be based only on an observation of functional data so it was converted to no classification on 2025-07-30.

Department of Pathology and Laboratory Medicine, Sinai Health System
Classification: Pathogenic for Malignant tumor of breast. Review status: no assertion criteria provided. Collection method: clinical testing. Allele origin: unknown. Affected: yes. Study: The Canadian Open Genetics Repository (COGR). Not counted in ClinVar's aggregate classification.

Literature cited by the submitters: PubMed 31131967 (cited by 3 submitters); PubMed 30209399 (cited by 3 submitters); PubMed 16199547 (cited by Labcorp Genetics (formerly Invitae), Labcorp); PubMed 20104584 (cited by Labcorp Genetics (formerly Invitae), Labcorp); PubMed 25556971 (cited by Labcorp Genetics (formerly Invitae), Labcorp and Ambry Genetics); PubMed 27914478 (cited by Labcorp Genetics (formerly Invitae), Labcorp and Ambry Genetics); PubMed 28717669 (cited by Labcorp Genetics (formerly Invitae), Labcorp); PubMed 29339979 (cited by Labcorp Genetics (formerly Invitae), Labcorp); PubMed 29446198 (cited by Labcorp Genetics (formerly Invitae), Labcorp); PubMed 30159786 (cited by Ambry Genetics); PubMed 32072338 (cited by Ambry Genetics).

NM_007294.4(BRCA1):c.5074+2T>C

Gene: BRCA1 (BRCA1 DNA repair associated; minus strand). Cytogenetic location: 17q21.31.
Variant type: single nucleotide variant.
Coding change: c.5074+2T>C on transcript NM_007294.4 (MANE Select); the canonical splice donor site of the intron after coding-DNA position 5074, T replaced by C.
Molecular consequence: splice donor variant. On other transcripts: intron variant (1).
Genome position (GRCh38, 1-based): chr17:43,067,606, A>G on the plus strand (T>C on the coding strand, the complement: BRCA1 is on the minus strand). VCF-style: chr17-43067606-A-G. GRCh37 (hg19) VCF-style: chr17-41219623-A-G.
Other names: IVS17+2T>C; c.1621+2T>C (NM_001408458.1, NM_001408461.1, NM_001408464.1 and 7 more transcripts); c.4183+2T>C (NM_001407967.1); c.4693+2T>C (NM_001407959.1); c.4807+2T>C (NM_001407931.1, NM_001407932.1, NM_001407928.1 and 4 more transcripts); c.4930+2T>C (NM_001407747.1, NM_001407745.1, NM_001407737.1 and 21 more transcripts); c.4690+2T>C (NM_001407962.1, NM_001407960.1); c.1261+2T>C (NM_001408512.1); and 72 more.
Identifiers: ClinVar variation 37631 (VCV000037631.36), dbSNP rs80358089, ClinGen allele CA003196.
Genomic context (GRCh38, chr17:43,067,606, plus strand): 5'-GCCTCGCCTCATGTGGTTTTATGCAGCAGATGCAAGGTATTCTGTAAAGGTTCTTGGTAT[A>G]CCTGTTTTCATAACAACATGAGTAGTCTCTTCAGTAATTAGATTAGTTAAAGTGATGTGG-3'